The following is an entry in ClinVar:

ClinVar aggregate classification (germline): Uncertain significance (1 of 4 stars; one submission).

gnomAD v4.1: 15 of 1,614,054 alleles (0.00093%); highest among the groups gnomAD compares: Non-Finnish European, 0.0012%; no homozygotes.

Submission:

Labcorp Genetics (formerly Invitae), Labcorp
Classification: Uncertain significance. Last evaluated: 2025-12-15. Review status: criteria provided, single submitter. Criteria: Invitae Variant Classification Sherloc (09022015). Collection method: clinical testing. Allele origin: germline.
Comment: This sequence change replaces valine, which is neutral and non-polar, with leucine, which is neutral and non-polar, at codon 186 of the CSF1R protein (p.Val186Leu). This variant is not present in population databases (gnomAD no frequency). This variant has not been reported in the literature in individuals affected with CSF1R-related conditions. Invitae Evidence Modeling of protein sequence and biophysical properties (such as structural, functional, and spatial information, amino acid conservation, physicochemical variation, residue mobility, and thermodynamic stability) indicates that this missense variant is not expected to disrupt CSF1R protein function with a negative predictive value of 95%. In summary, the available evidence is currently insufficient to determine the role of this variant in disease. Therefore, it has been classified as a Variant of Uncertain Significance.

NM_001288705.3(CSF1R):c.556G>T (p.Val186Leu)

Gene: CSF1R (colony stimulating factor 1 receptor; minus strand). Cytogenetic location: 5q32.
Variant type: single nucleotide variant.
Coding change: c.556G>T on transcript NM_001288705.3 (MANE Select); coding-DNA position 556, G replaced by T.
Protein change: p.Val186Leu; replaces valine 186 with leucine.
Molecular consequence: missense variant. On other transcripts: non-coding transcript variant (2).
Genome position (GRCh38, 1-based): chr5:150,080,088, C>A on the plus strand (G>T on the coding strand, the complement: CSF1R is on the minus strand). VCF-style: chr5-150080088-C-A. GRCh37 (hg19) VCF-style: chr5-149459651-C-A.
Other names: c.556G>T, p.Val186Leu (NM_001349736.2, NM_001375320.1, NM_005211.4); c.112G>T, p.Val38Leu (NM_001375321.1); short protein forms V186L, V38L.
Identifiers: ClinVar variation 4700591 (VCV004700591.1).